The following is an entry in ClinVar:

ClinVar aggregate classification (germline): Uncertain significance (1 of 4 stars; one submission).

Conditions:
Progressive myoclonic epilepsy. Also called: Familial progressive myoclonic epilepsy; Myoclonic Epilepsies, Progressive; Myoclonus epilepsy; Progressive myoclonus epilepsy. Identifiers: Orphanet 308, Orphanet 98261, MedGen C0751778, MONDO:0020074.

Allele frequency attached by ClinVar (database versions not stated): TOPMed below 0.00001.

Submission:

Labcorp Genetics (formerly Invitae), Labcorp
Classification: Uncertain significance for Progressive myoclonic epilepsy. Last evaluated: 2022-07-09. Review status: criteria provided, single submitter. Criteria: Invitae Variant Classification Sherloc (09022015). Collection method: clinical testing. Allele origin: germline.
Comment: This sequence change falls in intron 3 of the SCARB2 gene. It does not directly change the encoded amino acid sequence of the SCARB2 protein. This variant is not present in population databases (gnomAD no frequency). This variant has not been reported in the literature in individuals affected with SCARB2-related conditions. Algorithms developed to predict the effect of sequence changes on RNA splicing suggest that this variant may create or strengthen a splice site. In summary, the available evidence is currently insufficient to determine the role of this variant in disease. Therefore, it has been classified as a Variant of Uncertain Significance.

NM_005506.4(SCARB2):c.424-19A>G

Gene: SCARB2 (scavenger receptor class B member 2; minus strand). Cytogenetic location: 4q21.1.
Variant type: single nucleotide variant.
Coding change: c.424-19A>G on transcript NM_005506.4 (MANE Select); 19 bases into the intron before coding-DNA position 424, A replaced by G.
Molecular consequence: intron variant.
Genome position (GRCh38, 1-based): chr4:76,179,724, T>C on the plus strand (A>G on the coding strand, the complement: SCARB2 is on the minus strand). VCF-style: chr4-76179724-T-C. GRCh37 (hg19) VCF-style: chr4-77100877-T-C.
Other names: c.276-3814A>G (NM_001204255.2).
Identifiers: ClinVar variation 1942940 (VCV001942940.5), dbSNP rs1732339605, ClinGen allele CA1469474545.